The following is an entry in ClinVar:

ClinVar aggregate classification (germline): Uncertain significance (1 of 4 stars; one submission).

Conditions:
Kleefstra syndrome 1 (KLEFS1). Identifiers: Orphanet 261494, MedGen C0795833, MONDO:0027407, OMIM 610253.

Submission:

Labcorp Genetics (formerly Invitae), Labcorp
Classification: Uncertain significance for Kleefstra syndrome 1. Last evaluated: 2025-02-19. Review status: criteria provided, single submitter. Criteria: Invitae Variant Classification Sherloc (09022015). Collection method: clinical testing. Allele origin: germline.
Comment: This sequence change replaces tyrosine, which is neutral and polar, with histidine, which is basic and polar, at codon 1173 of the EHMT1 protein (p.Tyr1173His). This variant is not present in population databases (gnomAD no frequency). This variant has not been reported in the literature in individuals affected with EHMT1-related conditions. Invitae Evidence Modeling of protein sequence and biophysical properties (such as structural, functional, and spatial information, amino acid conservation, physicochemical variation, residue mobility, and thermodynamic stability) indicates that this missense variant is expected to disrupt EHMT1 protein function with a positive predictive value of 80%. In summary, the available evidence is currently insufficient to determine the role of this variant in disease. Therefore, it has been classified as a Variant of Uncertain Significance.

NM_024757.5(EHMT1):c.3517T>C (p.Tyr1173His)

Gene: EHMT1 (euchromatic histone lysine methyltransferase 1; plus strand). Cytogenetic location: 9q34.3.
Variant type: single nucleotide variant.
Coding change: c.3517T>C on transcript NM_024757.5 (MANE Select); coding-DNA position 3517, T replaced by C.
Protein change: p.Tyr1173His; replaces tyrosine 1173 with histidine.
Molecular consequence: missense variant.
Genome position (GRCh38, 1-based): chr9:137,818,115, T>C. VCF-style: chr9-137818115-T-C. GRCh37 (hg19) VCF-style: chr9-140712567-T-C.
Other names: c.3496T>C, p.Tyr1166His (NM_001354263.2); short protein forms Y1166H, Y1173H.
Identifiers: ClinVar variation 4743210 (VCV004743210.1).